The following is an entry in ClinVar:

NM_000064.4(C3):c.683-3C>G

Gene: C3 (complement C3; minus strand). Cytogenetic location: 19p13.3.
Variant type: single nucleotide variant.
Coding change: c.683-3C>G on transcript NM_000064.4 (MANE Select); 3 bases into the intron before coding-DNA position 683, C replaced by G.
Molecular consequence: intron variant.
Genome position (GRCh38, 1-based): chr19:6,714,085, G>C on the plus strand (C>G on the coding strand, the complement: C3 is on the minus strand). VCF-style: chr19-6714085-G-C. GRCh37 (hg19) VCF-style: chr19-6714096-G-C.
Identifiers: ClinVar variation 4294032 (VCV004294032.1).
Genomic context (GRCh38, chr19:6,714,085, plus strand): 5'-TTATAGATGTAGTAGAATTTCTCTGTAGGCTCCACTATGACCTCGAAACTGGGCAGCACT[G>C]GGGGAGAGATGGCGTTGGTGGGGCCGGCGCTGGGCCAGGCGTTCTGGGCACTGACTCCCC-3'

ClinVar aggregate classification (germline): Uncertain significance (1 of 4 stars; one submission).

Conditions:
Complement component 3 deficiency. Identifiers: Orphanet 280133, MedGen C3151071, MONDO:0013417, OMIM 613779.

Submission:

3billion
Classification: Uncertain significance for Complement component 3 deficiency. Last evaluated: 2025-02-26. Review status: criteria provided, single submitter. Criteria: ACMG Guidelines, 2015. Collection method: clinical testing. Allele origin: germline. Affected: yes.
Comment: The variant is not observed in the gnomAD v4.1.0 dataset. Predicted Consequence/Location: Intron variant In silico tools predict the variant to alter splicing and produce an abnormal transcript [SpliceAI: 0.47 (>=0.2, moderate evidence for spliceogenicity)]. Therefore, this variant is classified as VUS according to the recommendation of ACMG/AMP guideline.